The following is an entry in ClinVar:

ClinVar aggregate classification (germline): Uncertain significance (1 of 4 stars; one submission).

Conditions:
Dilated cardiomyopathy 1G (CMD1G). Identifiers: Orphanet 154, MedGen C1858763, MONDO:0011400, OMIM 604145.
Autosomal recessive limb-girdle muscular dystrophy type 2J (LGMDR10). Also called: Limb-girdle muscular dystrophy, type 2J; MUSCULAR DYSTROPHY, LIMB-GIRDLE, AUTOSOMAL RECESSIVE 10. Identifiers: Orphanet 140922, MedGen C1837342, MONDO:0012127, OMIM 608807.

Allele frequency attached by ClinVar (database versions not stated): TOPMed below 0.00001.

Submission:

Labcorp Genetics (formerly Invitae), Labcorp
Classification: Uncertain significance for Dilated cardiomyopathy 1G; Autosomal recessive limb-girdle muscular dystrophy type 2J. Last evaluated: 2025-09-22. Review status: criteria provided, single submitter. Criteria: Invitae Variant Classification Sherloc (09022015). Collection method: clinical testing. Allele origin: germline.
Comment: This sequence change replaces methionine, which is neutral and non-polar, with isoleucine, which is neutral and non-polar, at codon 34606 of the TTN protein (p.Met34606Ile). This variant is not present in population databases (gnomAD no frequency). This variant has not been reported in the literature in individuals affected with TTN-related conditions. ClinVar contains an entry for this variant (Variation ID: 2141278). Experimental studies and prediction algorithms are not available or were not evaluated, and the functional significance of this variant is currently unknown. This variant is located in the M band of TTN (PMID: 25589632). Non-truncating variants in this region may be relevant for neuromuscular disorders, but have not been definitively shown to cause cardiomyopathy (PMID: 23975875). In summary, the available evidence is currently insufficient to determine the role of this variant in disease. Therefore, it has been classified as a Variant of Uncertain Significance.

Literature cited by the submitters: PubMed 25589632; PubMed 23975875.

NM_001267550.2(TTN):c.103818G>A (p.Met34606Ile)

Genes: TTN-AS1 (TTN antisense RNA 1; plus strand), TTN (titin; minus strand). Cytogenetic location: 2q31.2.
Variant type: single nucleotide variant.
Coding change: c.103818G>A on transcript NM_001267550.2 (MANE Select); coding-DNA position 103818, G replaced by A.
Protein change: p.Met34606Ile; replaces methionine 34606 with isoleucine.
Molecular consequence: missense variant.
Genome position (GRCh38, 1-based): chr2:178,532,797, C>T on the plus strand (G>A on the coding strand, the complement: TTN is on the minus strand). VCF-style: chr2-178532797-C-T. GRCh37 (hg19) VCF-style: chr2-179397524-C-T.
Other names: c.98895G>A, p.Met32965Ile (NM_001256850.1); c.76623G>A, p.Met25541Ile (NM_003319.4); c.96114G>A, p.Met32038Ile (NM_133378.4); c.76998G>A, p.Met25666Ile (NM_133432.3); c.77199G>A, p.Met25733Ile (NM_133437.4); short protein forms M32038I, M25541I, M32965I, M25666I, M34606I, M25733I.
Identifiers: ClinVar variation 2141278 (VCV002141278.4), dbSNP rs1689753777, ClinGen allele CA349413439.